The following is an entry in ClinVar:

ClinVar aggregate classification (germline): Conflicting classifications of pathogenicity. Review status: criteria provided, conflicting classifications (1 of 4 stars). 8 submissions from 8 submitters: Uncertain significance (7); Likely benign (1). Last evaluated 2026-06-05.

Conditions:
Cardiovascular phenotype. Identifiers: MedGen CN230736.
Arrhythmogenic cardiomyopathy with wooly hair and keratoderma. Also called: Dilated cardiomyopathy with woolly hair and keratoderma; Arrhythmogenic cardiomyopathy with woolly hair and keratoderma; Carvajal syndrome; PALMOPLANTAR KERATODERMA WITH LEFT VENTRICULAR CARDIOMYOPATHY AND WOOLLY HAIR. Identifiers: Orphanet 65282, MedGen C1854063, MONDO:0011581, OMIM 605676.
Arrhythmogenic right ventricular dysplasia 8 (ARVD8). Also called: Arrhythmogenic Right Ventricular Dysplasia/Cardiomyopathy 8; ARRHYTHMOGENIC RIGHT VENTRICULAR DYSPLASIA, FAMILIAL, 8; ARRHYTHMOGENIC RIGHT VENTRICULAR CARDIOMYOPATHY 8. Identifiers: MedGen C1843896, MONDO:0011831, OMIM 607450.
DSP-related disorder. Also called: DSP-related condition; DSP-related disorders.
Cardiomyopathy (CMYO). Also called: Cardiomyopathies. Identifiers: Orphanet 167848, MedGen C0878544, MONDO:0004994, HP:0001638. Inheritance: Various modes of inheritance.

Allele frequency attached by ClinVar (database versions not stated): gnomAD 0.00001; gnomAD exomes 0.00001 and 0.00003; TOPMed 0.00001; ExAC 0.00002.
gnomAD v4.1: 39 of 1,613,982 alleles (0.0024%); highest among the groups gnomAD compares: Non-Finnish European, 0.0033%; no homozygotes.

Submissions (8):

Women's Health and Genetics/Laboratory Corporation of America, LabCorp
Classification: Uncertain significance. Last evaluated: 2026-06-05. Review status: criteria provided, single submitter. Criteria: LabCorp Variant Classification Summary - May 2015. Collection method: clinical testing. Allele origin: germline.

Color Diagnostics, LLC DBA Color Health
Classification: Uncertain significance for Cardiomyopathy. Last evaluated: 2025-07-17. Review status: criteria provided, single submitter. Criteria: ACMG Guidelines, 2015. Collection method: clinical testing. Allele origin: germline.
Comment: This missense variant replaces leucine with phenylalanine at codon 1469 of the DSP protein. Computational prediction suggests that this variant may not impact protein structure and function. To our knowledge, functional studies have not been reported for this variant. This variant has not been reported in individuals affected with DSP-related disorders in the literature. This variant has been identified in 3/250922 chromosomes in the general population by the Genome Aggregation Database (gnomAD). The available evidence is insufficient to determine the role of this variant in disease conclusively. Therefore, this variant is classified as a Variant of Uncertain Significance.

Labcorp Genetics (formerly Invitae), Labcorp
Classification: Likely benign for Arrhythmogenic cardiomyopathy with wooly hair and keratoderma; Arrhythmogenic right ventricular dysplasia 8. Last evaluated: 2025-05-06. Review status: criteria provided, single submitter. Criteria: Invitae Variant Classification Sherloc (09022015). Collection method: clinical testing. Allele origin: germline.

Molecular Diagnostic Laboratory for Inherited Cardiovascular Disease, Montreal Heart Institute
Classification: Uncertain significance for Cardiovascular phenotype. Last evaluated: 2025-02-17. Review status: criteria provided, single submitter. Criteria: ACMG Guidelines, 2015. Collection method: clinical testing. Allele origin: germline. Affected: yes.

PreventionGenetics, part of Exact Sciences
Classification: Uncertain significance for DSP-related condition. Last evaluated: 2024-12-23. Review status: criteria provided, single submitter. Criteria: ACMG Guidelines, 2015. Collection method: clinical testing. Allele origin: germline.
Comment: The DSP c.4405C>T variant is predicted to result in the amino acid substitution p.Leu1469Phe. To our knowledge, this variant has not been reported in the literature. This variant is reported in 0.0026% of alleles in individuals of European (Non-Finnish) descent in gnomAD. At this time, the clinical significance of this variant is uncertain due to the absence of conclusive functional and genetic evidence.

Ambry Genetics
Classification: Uncertain significance for Cardiovascular phenotype. Last evaluated: 2024-08-23. Review status: criteria provided, single submitter. Criteria: Ambry Variant Classification Scheme 2023. Collection method: clinical testing. Allele origin: germline.
Comment: The p.L1469F variant (also known as c.4405C>T), located in coding exon 23 of the DSP gene, results from a C to T substitution at nucleotide position 4405. The leucine at codon 1469 is replaced by phenylalanine, an amino acid with highly similar properties. This amino acid position is conserved. In addition, the in silico prediction for this alteration is inconclusive. Since supporting evidence is limited at this time, the clinical significance of this alteration remains unclear.

GeneDx
Classification: Uncertain significance. Last evaluated: 2022-05-09. Review status: criteria provided, single submitter. Criteria: GeneDx Variant Classification Process June 2021. Collection method: clinical testing. Allele origin: germline. Affected: yes.
Comment: Has not been previously published as pathogenic or benign to our knowledge; Not observed at significant frequency in large population cohorts (gnomAD); In silico analysis supports that this missense variant does not alter protein structure/function

Blueprint Genetics
Classification: Uncertain significance. Last evaluated: 2021-01-18. Review status: criteria provided, single submitter. Criteria: ACMG Guidelines, 2015. Collection method: clinical testing. Allele origin: germline.

NM_004415.4(DSP):c.4405C>T (p.Leu1469Phe)

Gene: DSP (desmoplakin; plus strand). Cytogenetic location: 6p24.3.
Variant type: single nucleotide variant.
Coding change: c.4405C>T on transcript NM_004415.4 (MANE Select); coding-DNA position 4405, C replaced by T.
Protein change: p.Leu1469Phe; replaces leucine 1469 with phenylalanine.
Molecular consequence: missense variant. On other transcripts: intron variant (2).
Genome position (GRCh38, 1-based): chr6:7,580,595, C>T. VCF-style: chr6-7580595-C-T. GRCh37 (hg19) VCF-style: chr6-7580828-C-T.
Other names: c.4050+355C>T (NM_001319034.2); c.3582+823C>T (NM_001008844.3); c.4405C>T (LRG_423t1); short protein forms L1469F.
Identifiers: ClinVar variation 534306 (VCV000534306.23), dbSNP rs752121953, ClinGen allele CA041355.
Genomic context (GRCh38, chr6:7,580,595, plus strand): 5'-GTTGAGCTGAGACAAGTCACTCAGATGCGAACAGAGGAGAGCGTAAGATATAAGCAATCT[C>T]TTGATGATGCTGCCAAAACCATCCAGGATAAAAACAAGGAGATAGAAAGGTTAAAACAAC-3'
Protein context (NP_004406.2, residues 1459-1479): TEESVRYKQS[Leu1469Phe]DDAAKTIQDK